The following is an entry in ClinVar:

NM_001101362.3(KBTBD13):c.531G>A (p.Leu177=)

Gene: KBTBD13 (kelch repeat and BTB domain containing 13; plus strand). Cytogenetic location: 15q22.31.
Variant type: single nucleotide variant.
Coding change: c.531G>A on transcript NM_001101362.3 (MANE Select); coding-DNA position 531, G replaced by A.
Protein change: p.Leu177=; no amino-acid change (leucine 177 retained).
Molecular consequence: synonymous variant.
Genome position (GRCh38, 1-based): chr15:65,077,346, G>A. VCF-style: chr15-65077346-G-A. GRCh37 (hg19) VCF-style: chr15-65369684-G-A.
Identifiers: ClinVar variation 3676734 (VCV003676734.2).
Genomic context (GRCh38, chr15:65,077,346, plus strand): 5'-CGCGGCCGTGAGCACGCACACGCCCGCGCCCGGCTTCCTGGAGGACGCCTCGCGCACGCT[G>A]TGTTACCTGGACGAGGAAGAGGACGCGTGGCGCACGCTGGCTGCGCTGCCCCTGGAGGCC-3'
Protein context (NP_001094832.1, residues 167-187): PGFLEDASRT[Leu177=]CYLDEEEDAW

ClinVar aggregate classification (germline): Uncertain significance (1 of 4 stars; one submission).

Conditions:
Nemaline myopathy 6 (NEM6). Also called: Nemaline myopathy 6, autosomal dominant. Identifiers: Orphanet 171439, MedGen C1836472, MONDO:0012237, OMIM 609273.

Submission:

Labcorp Genetics (formerly Invitae), Labcorp
Classification: Uncertain significance for Nemaline myopathy 6. Last evaluated: 2024-06-19. Review status: criteria provided, single submitter. Criteria: Invitae Variant Classification Sherloc (09022015). Collection method: clinical testing. Allele origin: germline.
Comment: This sequence change affects codon 177 of the KBTBD13 mRNA. It is a 'silent' change, meaning that it does not change the encoded amino acid sequence of the KBTBD13 protein. This variant is not present in population databases (gnomAD no frequency). This variant has not been reported in the literature in individuals affected with KBTBD13-related conditions. In summary, the available evidence is currently insufficient to determine the role of this variant in disease. Therefore, it has been classified as a Variant of Uncertain Significance.